The following is an entry in ClinVar:

ClinVar aggregate classification (germline): Uncertain significance (1 of 4 stars; one submission).

Allele frequency attached by ClinVar (database versions not stated): TOPMed below 0.00001; gnomAD 0.00001; gnomAD exomes 0.00001.
gnomAD v4.1: 13 of 1,613,812 alleles (0.00081%); highest among the groups gnomAD compares: African/African-American, 0.0013%; no homozygotes.

Submission:

Labcorp Genetics (formerly Invitae), Labcorp
Classification: Uncertain significance. Last evaluated: 2021-04-08. Review status: criteria provided, single submitter. Criteria: Invitae Variant Classification Sherloc (09022015). Collection method: clinical testing. Allele origin: germline.
Comment: In summary, the available evidence is currently insufficient to determine the role of this variant in disease. Therefore, it has been classified as a Variant of Uncertain Significance. Algorithms developed to predict the effect of missense changes on protein structure and function are either unavailable or do not agree on the potential impact of this missense change (SIFT: "Deleterious"; PolyPhen-2: "Benign"; Align-GVGD: "Class C0"). This variant has not been reported in the literature in individuals with FAT1-related conditions. This variant is not present in population databases (ExAC no frequency). This sequence change replaces valine with methionine at codon 355 of the FAT1 protein (p.Val355Met). The valine residue is highly conserved and there is a small physicochemical difference between valine and methionine.

NM_005245.4(FAT1):c.1063G>A (p.Val355Met)

Gene: FAT1 (FAT atypical cadherin 1; minus strand). Cytogenetic location: 4q35.2.
Variant type: single nucleotide variant.
Coding change: c.1063G>A on transcript NM_005245.4 (MANE Select); coding-DNA position 1063, G replaced by A.
Protein change: p.Val355Met; replaces valine 355 with methionine.
Molecular consequence: missense variant.
Genome position (GRCh38, 1-based): chr4:186,708,765, C>T on the plus strand (G>A on the coding strand, the complement: FAT1 is on the minus strand). VCF-style: chr4-186708765-C-T. GRCh37 (hg19) VCF-style: chr4-187629919-C-T.
Other names: short protein forms V355M.
Identifiers: ClinVar variation 1524312 (VCV001524312.8), dbSNP rs1744783638, ClinGen allele CA358989934.
Genomic context (GRCh38, chr4:186,708,765, plus strand): 5'-CTGCTCTGTAAACATCCTTTTCAAACTTGACTGGCCCGGCTTTGAACTGTGGAGAAGTCA[C>T]GTGAATGACTTTAACAGAAGAGAACTGGGGCGGAGTTCCTTTATCTTTAGCCTGTAGTGT-3'
Protein context (NP_005236.2, residues 345-365): PQFSSVKVIH[Val355Met]TSPQFKAGPV